The following is an entry in ClinVar:

NM_004589.4(SCO1):c.854A>G (p.Glu285Gly)

Gene: SCO1 (synthesis of cytochrome C oxidase 1; minus strand). Cytogenetic location: 17p13.1.
Variant type: single nucleotide variant.
Coding change: c.854A>G on transcript NM_004589.4 (MANE Select); coding-DNA position 854, A replaced by G.
Protein change: p.Glu285Gly; replaces glutamic acid 285 with glycine.
Molecular consequence: missense variant.
Genome position (GRCh38, 1-based): chr17:10,681,171, T>C on the plus strand (A>G on the coding strand, the complement: SCO1 is on the minus strand). VCF-style: chr17-10681171-T-C. GRCh37 (hg19) VCF-style: chr17-10584488-T-C.
Other names: short protein forms E285G.
Identifiers: ClinVar variation 3615194 (VCV003615194.2).

ClinVar aggregate classification (germline): Uncertain significance (1 of 4 stars; one submission).

Submission:

Labcorp Genetics (formerly Invitae), Labcorp
Classification: Uncertain significance. Last evaluated: 2024-12-09. Review status: criteria provided, single submitter. Criteria: Invitae Variant Classification Sherloc (09022015). Collection method: clinical testing. Allele origin: germline.
Comment: This sequence change replaces glutamic acid, which is acidic and polar, with glycine, which is neutral and non-polar, at codon 285 of the SCO1 protein (p.Glu285Gly). This variant is not present in population databases (gnomAD no frequency). This variant has not been reported in the literature in individuals affected with SCO1-related conditions. Invitae Evidence Modeling of protein sequence and biophysical properties (such as structural, functional, and spatial information, amino acid conservation, physicochemical variation, residue mobility, and thermodynamic stability) indicates that this missense variant is not expected to disrupt SCO1 protein function with a negative predictive value of 80%. In summary, the available evidence is currently insufficient to determine the role of this variant in disease. Therefore, it has been classified as a Variant of Uncertain Significance.